The following is an entry in ClinVar:

ClinVar aggregate classification (germline): Benign. Review status: criteria provided, multiple submitters, no conflicts (2 of 4 stars). 7 submissions from 6 submitters: Benign (7). Last evaluated 2026-02-01.

Conditions:
Tricho-dento-osseous syndrome (TDO). Also called: TDO SYNDROME. Identifiers: Orphanet 3352, MedGen C0265333, MONDO:0008592, OMIM 190320.
Hypomaturation-hypoplastic amelogenesis imperfecta with taurodontism. Also called: Amelogenesis imperfecta, type IV. Identifiers: Orphanet 100034, Orphanet 88661, MedGen C1863012, MONDO:0007093, OMIM 104510. Disease mechanism: loss of function.

Allele frequency attached by ClinVar (database versions not stated): gnomAD 0.08675 and 0.08182; ExAC 0.08709; 1000 Genomes Project 0.15355; 1000 Genomes Project 30x 0.15116; ESP Exome Variant Server 0.07912; gnomAD exomes 0.08590; TOPMed 0.09535.
gnomAD v4.1: 99,122 of 1,614,156 alleles (6.1%); highest among the groups gnomAD compares: East Asian, 20%; 5,383 homozygotes.

Submissions (7):

Labcorp Genetics (formerly Invitae), Labcorp
Classification: Benign. Last evaluated: 2026-02-01. Review status: criteria provided, single submitter. Criteria: Invitae Variant Classification Sherloc (09022015). Collection method: clinical testing. Allele origin: germline.

Genome-Nilou Lab
Classification: Benign for Hypomaturation-hypoplastic amelogenesis imperfecta with taurodontism. Last evaluated: 2021-07-30. Review status: criteria provided, single submitter. Criteria: ACMG Guidelines, 2015. Collection method: clinical testing. Allele origin: germline. Affected: no.

Genome-Nilou Lab
Classification: Benign for Tricho-dento-osseous syndrome. Last evaluated: 2021-07-30. Review status: criteria provided, single submitter. Criteria: ACMG Guidelines, 2015. Collection method: clinical testing. Allele origin: germline. Affected: no.

GeneDx
Classification: Benign. Last evaluated: 2021-06-09. Review status: criteria provided, single submitter. Criteria: GeneDx Variant Classification Process June 2021. Collection method: clinical testing. Allele origin: germline. Affected: yes.

Illumina Laboratory Services, Illumina
Classification: Benign for Hypomaturation-hypoplastic amelogenesis imperfecta with taurodontism. Last evaluated: 2018-01-12. Review status: criteria provided, single submitter. Criteria: ICSL Variant Classification Criteria 13 December 2019. Collection method: clinical testing. Allele origin: germline.
Comment: This variant was observed in the ICSL laboratory as part of a predisposition screen in an ostensibly healthy population. It had not been previously curated by ICSL or reported in the Human Gene Mutation Database (HGMD: prior to June 1st, 2018), and was therefore a candidate for classification through an automated scoring system. Utilizing variant allele frequency, disease prevalence and penetrance estimates, and inheritance mode, an automated score was calculated to assess if this variant is too frequent to cause the disease. Based on the score and internal cut-off values, a variant classified as benign is not then subjected to further curation. The score for this variant resulted in a classification of benign for this disease.

Breakthrough Genomics
Classification: Benign. Review status: criteria provided, single submitter. Criteria: ACMG Guidelines, 2015. Collection method: not provided. Allele origin: germline. Inheritance: Autosomal dominant inheritance. Affected: yes.

PreventionGenetics, part of Exact Sciences
Classification: Benign. Review status: criteria provided, single submitter. Criteria: ACMG Guidelines, 2015. Collection method: clinical testing. Allele origin: germline.

NM_005220.3(DLX3):c.138C>T (p.Pro46=)

Gene: DLX3 (distal-less homeobox 3; minus strand). Cytogenetic location: 17q21.33.
Variant type: single nucleotide variant.
Coding change: c.138C>T on transcript NM_005220.3 (MANE Select); coding-DNA position 138, C replaced by T.
Protein change: p.Pro46=; no amino-acid change (proline 46 retained).
Molecular consequence: synonymous variant.
Genome position (GRCh38, 1-based): chr17:49,994,861, G>A on the plus strand (C>T on the coding strand, the complement: DLX3 is on the minus strand). VCF-style: chr17-49994861-G-A. GRCh37 (hg19) VCF-style: chr17-48072225-G-A.
Identifiers: ClinVar variation 259675 (VCV000259675.18), dbSNP rs33937843, ClinGen allele CA8641107.
Genomic context (GRCh38, chr17:49,994,861, plus strand): 5'-GTGGTAGGTGTAGGGGTTCACCGTCTGGCCATAGGGCTGGCCCGAGTAGTAATCGTGCTG[G>A]GGAGCGCTGTAGTAGCCCAGGTCAGTGACAGAAGACTCGGGCAGGGTAGGCGAGTCCTTG-3'
Protein context (NP_005211.1, residues 36-56): SVTDLGYYSA[Pro46=]QHDYYSGQPY